The following is an entry in ClinVar:

NM_005068.3(SIM1):c.1391C>T (p.Thr464Ile)

Genes: SIM1 (SIM bHLH transcription factor 1; minus strand), SIM1-AS1 (SIM1 antisense RNA 1; plus strand). Cytogenetic location: 6q16.3.
Variant type: single nucleotide variant.
Coding change: c.1391C>T on transcript NM_005068.3 (MANE Select); coding-DNA position 1391, C replaced by T.
Protein change: p.Thr464Ile; replaces threonine 464 with isoleucine.
Molecular consequence: missense variant.
Genome position (GRCh38, 1-based): chr6:100,393,666, G>A on the plus strand (C>T on the coding strand, the complement: SIM1 is on the minus strand). VCF-style: chr6-100393666-G-A. GRCh37 (hg19) VCF-style: chr6-100841542-G-A.
Other names: c.1391C>T, p.Thr464Ile (NM_001374769.1); short protein forms T464I.
Identifiers: ClinVar variation 2266846 (VCV002266846.6), dbSNP rs201812554, ClinGen allele CA3937031.

ClinVar aggregate classification (germline): Conflicting classifications of pathogenicity. Review status: criteria provided, conflicting classifications (1 of 4 stars). 2 submissions from 2 submitters: Uncertain significance (1); Likely benign (1). Last evaluated 2026-09-10.

Conditions:
Inborn genetic diseases. Identifiers: MedGen C0950123, MeSH D030342.
SIM1-related disorder. Also called: SIM1-related disorders; SIM1-related condition.

Allele frequency attached by ClinVar (database versions not stated): ExAC 0.00007; gnomAD 0.00014.
gnomAD v4.1: 139 of 1,613,990 alleles (0.0086%); highest among the groups gnomAD compares: African/African-American, 0.043%; no homozygotes.

Submissions (2):

PreventionGenetics, part of Exact Sciences
Classification: Uncertain significance for SIM1-related condition. Last evaluated: 2026-09-10. Review status: criteria provided, single submitter. Criteria: ACMG Guidelines, 2015. Collection method: clinical testing. Allele origin: germline.
Comment: The SIM1 c.1391C>T variant is predicted to result in the amino acid substitution p.Thr464Ile. To our knowledge, this variant has not been reported in the literature. This variant is reported in 0.040% of alleles in individuals of African descent in gnomAD. Although we suspect that this variant may be benign, at this time, the clinical significance of this variant is uncertain due to the absence of conclusive functional and genetic evidence.

Ambry Genetics
Classification: Likely benign for Inborn genetic diseases. Last evaluated: 2022-10-26. Review status: criteria provided, single submitter. Criteria: Ambry Variant Classification Scheme 2023. Collection method: clinical testing. Allele origin: germline.